The following is an entry in ClinVar:

NM_001271.4(CHD2):c.4814A>C (p.Lys1605Thr)

Gene: CHD2 (chromodomain helicase DNA binding protein 2; plus strand). Cytogenetic location: 15q26.1.
Variant type: single nucleotide variant.
Coding change: c.4814A>C on transcript NM_001271.4 (MANE Select); coding-DNA position 4814, A replaced by C.
Protein change: p.Lys1605Thr; replaces lysine 1605 with threonine.
Molecular consequence: missense variant.
Genome position (GRCh38, 1-based): chr15:93,014,817, A>C. VCF-style: chr15-93014817-A-C. GRCh37 (hg19) VCF-style: chr15-93558047-A-C.
Other names: short protein forms K1605T.
Identifiers: ClinVar variation 422208 (VCV000422208.43), dbSNP rs780701076, ClinGen allele CA7748566.
Genomic context (GRCh38, chr15:93,014,817, plus strand): 5'-GCTCCAGCCGGGACTCTCTGATATCTCAGTCCCATACCTCACACAACCTTCACCCTCAGA[A>C]GCCTCATTTGCCTGCCTCCCATGGCCCACAGATGCATGGACACCCAAGAGATAACTACAA-3'
Protein context (NP_001262.3, residues 1595-1615): SHTSHNLHPQ[Lys1605Thr]PHLPASHGPQ

ClinVar aggregate classification (germline): Conflicting classifications of pathogenicity. Review status: criteria provided, conflicting classifications (1 of 4 stars). 6 submissions from 6 submitters: Uncertain significance (2); Likely benign (4). Last evaluated 2025-11-10.

Conditions:
Inborn genetic diseases. Identifiers: MedGen C0950123, MeSH D030342.
Developmental and epileptic encephalopathy 94 (DEE94). Also called: Epileptic encephalopathy, childhood-onset; CHD2-Related Neurodevelopmental Disorders. Identifiers: Orphanet 1942, Orphanet 2382, MedGen C3809278, MONDO:0014150, OMIM 615369.

Allele frequency attached by ClinVar (database versions not stated): TOPMed 0.00002; gnomAD exomes 0.00003 and 0.00006; ExAC 0.00006.
gnomAD v4.1: 42 of 1,614,198 alleles (0.0026%); highest among the groups gnomAD compares: Non-Finnish European, 0.0034%; no homozygotes.

Submissions (6):

Labcorp Genetics (formerly Invitae), Labcorp
Classification: Uncertain significance for Developmental and epileptic encephalopathy 94. Last evaluated: 2025-11-10. Review status: criteria provided, single submitter. Criteria: Invitae Variant Classification Sherloc (09022015). Collection method: clinical testing. Allele origin: germline.
Comment: This sequence change replaces lysine, which is basic and polar, with threonine, which is neutral and polar, at codon 1605 of the CHD2 protein (p.Lys1605Thr). This variant is present in population databases (rs780701076, gnomAD 0.01%). This variant has not been reported in the literature in individuals affected with CHD2-related conditions. ClinVar contains an entry for this variant (Variation ID: 422208). Invitae Evidence Modeling of protein sequence and biophysical properties (such as structural, functional, and spatial information, amino acid conservation, physicochemical variation, residue mobility, and thermodynamic stability) indicates that this missense variant is not expected to disrupt CHD2 protein function with a negative predictive value of 95%. In summary, the available evidence is currently insufficient to determine the role of this variant in disease. Therefore, it has been classified as a Variant of Uncertain Significance.

Blueprint Genetics
Classification: Likely benign. Last evaluated: 2023-11-24. Review status: criteria provided, single submitter. Criteria: ACMG Guidelines, 2015. Collection method: clinical testing. Allele origin: germline.

CeGaT Center for Human Genetics Tuebingen
Classification: Likely benign. Last evaluated: 2022-06-01. Review status: criteria provided, single submitter. Criteria: CeGaT Center For Human Genetics Tuebingen Variant Classification Criteria Version 2. Collection method: clinical testing. Allele origin: germline. Affected: yes. Observed: 1 variant allele.
Comment: CHD2: BS2

GeneDx
Classification: Likely benign. Last evaluated: 2020-02-12. Review status: criteria provided, single submitter. Criteria: GeneDx Variant Classification Process June 2021. Collection method: clinical testing. Allele origin: germline. Affected: yes.

Ambry Genetics
Classification: Likely benign for Inborn genetic diseases. Last evaluated: 2017-01-25. Review status: criteria provided, single submitter. Criteria: Ambry Variant Classification Scheme 2023. Collection method: clinical testing. Allele origin: germline.

ARUP Laboratories, Molecular Genetics and Genomics, ARUP Laboratories
Classification: Uncertain significance for Developmental and epileptic encephalopathy 94. Review status: criteria provided, single submitter. Criteria: ARUP Molecular Germline Variant Investigation Process 2024. Collection method: clinical testing. Allele origin: germline.